The following is an entry in ClinVar:

NM_001613.4(ACTA2):c.479G>A (p.Gly160Asp)

Gene: ACTA2 (actin alpha 2, smooth muscle; minus strand). Cytogenetic location: 10q23.31.
Variant type: single nucleotide variant.
Coding change: c.479G>A on transcript NM_001613.4 (MANE Select); coding-DNA position 479, G replaced by A.
Protein change: p.Gly160Asp; replaces glycine 160 with aspartic acid.
Molecular consequence: missense variant.
Genome position (GRCh38, 1-based): chr10:88,941,366, C>T on the plus strand (G>A on the coding strand, the complement: ACTA2 is on the minus strand). VCF-style: chr10-88941366-C-T. GRCh37 (hg19) VCF-style: chr10-90701123-C-T.
Other names: c.479G>A, p.Gly160Asp (NM_001141945.3, NM_001320855.2, NM_001406462.1 and 3 more transcripts); c.368G>A, p.Gly123Asp (NM_001406466.1); c.350G>A, p.Gly117Asp (NM_001406467.1, NM_001406468.1, NM_001406469.1); short protein forms G160D, G117D, G123D.
Identifiers: ClinVar variation 3720952 (VCV003720952.2).

ClinVar aggregate classification (germline): Uncertain significance (1 of 4 stars; one submission).

Conditions:
Aortic aneurysm, familial thoracic 6 (AAT6). Also called: FAMILIAL THORACIC AORTIC ANEURYSM WITH LIVEDO RETICULARIS AND IRIS FLOCCULI. Identifiers: MedGen C2673186, MONDO:0012730, OMIM 611788.

Submission:

Labcorp Genetics (formerly Invitae), Labcorp
Classification: Uncertain significance for Aortic aneurysm, familial thoracic 6. Last evaluated: 2024-03-18. Review status: criteria provided, single submitter. Criteria: Invitae Variant Classification Sherloc (09022015). Collection method: clinical testing. Allele origin: germline.
Comment: This sequence change replaces glycine, which is neutral and non-polar, with aspartic acid, which is acidic and polar, at codon 160 of the ACTA2 protein (p.Gly160Asp). This variant is not present in population databases (gnomAD no frequency). This missense change has been observed in individuals with clinical features of thoracic aortic aneurysm and dissection (PMID: 19409525; Invitae). It has also been observed to segregate with disease in related individuals. Advanced modeling of protein sequence and biophysical properties (such as structural, functional, and spatial information, amino acid conservation, physicochemical variation, residue mobility, and thermodynamic stability) performed at Invitae indicates that this missense variant is not expected to disrupt ACTA2 protein function with a negative predictive value of 80%. In summary, the available evidence is currently insufficient to determine the role of this variant in disease. Therefore, it has been classified as a Variant of Uncertain Significance.

Literature cited by the submitters: PubMed 19409525.